The following is an entry in ClinVar:

ClinVar aggregate classification (germline): Likely pathogenic (1 of 4 stars; one submission).

Conditions:
Intellectual disability. Also called: Intellectual functioning disability; intellectual disabilities; Intellectual developmental disorder. Identifiers: MedGen C3714756, MeSH D008607, MONDO:0001071, HP:0001249.

Submission:

Labcorp Genetics (formerly Invitae), Labcorp
Classification: Likely pathogenic for Intellectual disability. Last evaluated: 2025-05-27. Review status: criteria provided, single submitter. Criteria: Invitae Variant Classification Sherloc (09022015). Collection method: clinical testing. Allele origin: germline.
Comment: This sequence change replaces leucine, which is neutral and non-polar, with valine, which is neutral and non-polar, at codon 51 of the GABRB2 protein (p.Leu51Val). This variant is not present in population databases (gnomAD no frequency). This missense change has been observed in individual(s) with clinical features of GABRB2-related conditions (internal data). In at least one individual the variant was observed to be de novo. ClinVar contains an entry for this variant (Variation ID: 1009793). Invitae Evidence Modeling of protein sequence and biophysical properties (such as structural, functional, and spatial information, amino acid conservation, physicochemical variation, residue mobility, and thermodynamic stability) has been performed for this missense variant. However, the output from this modeling did not meet the statistical confidence thresholds required to predict the impact of this variant on GABRB2 protein function. In summary, the currently available evidence indicates that the variant is pathogenic, but additional data are needed to prove that conclusively. Therefore, this variant has been classified as Likely Pathogenic.

NM_001371727.1(GABRB2):c.151C>G (p.Leu51Val)

Gene: GABRB2 (gamma-aminobutyric acid type A receptor subunit beta2; minus strand). Cytogenetic location: 5q34.
Variant type: single nucleotide variant.
Coding change: c.151C>G on transcript NM_001371727.1 (MANE Select); coding-DNA position 151, C replaced by G.
Protein change: p.Leu51Val; replaces leucine 51 with valine.
Molecular consequence: missense variant.
Genome position (GRCh38, 1-based): chr5:161,546,340, G>C on the plus strand (C>G on the coding strand, the complement: GABRB2 is on the minus strand). VCF-style: chr5-161546340-G-C. GRCh37 (hg19) VCF-style: chr5-160973346-G-C.
Other names: c.151C>G, p.Leu51Val (NM_000813.3, NM_021911.3); short protein forms L51V.
Identifiers: ClinVar variation 1009793 (VCV001009793.9), dbSNP rs1760985866, ClinGen allele CA362172564.